The following is an entry in ClinVar:

ClinVar aggregate classification (germline): Pathogenic (1 of 4 stars; one submission).

Conditions:
Ehlers-Danlos syndrome, dermatosparaxis type. Also called: EDS VIIC; Dermatosparaxis; Ehlers-Danlos syndrome, type VII, autosomal recessive. Identifiers: Orphanet 1901, MedGen C2700425, MONDO:0009161, OMIM 225410.

Submission:

Myriad Genetics, Inc.
Classification: Pathogenic for Ehlers-Danlos syndrome, dermatosparaxis type. Last evaluated: 2024-05-14. Review status: criteria provided, single submitter. Criteria: Myriad Autosomal Dominant, Autosomal Recessive and X-Linked Classification Criteria (2023). Collection method: clinical testing. Allele origin: unknown.
Comment: NM_014244.4(ADAMTS2):c.117_118insTTAT(A40Lfs*27) is expected to be pathogenic in the context of Ehlers-Danlos syndrome, ADAMTS2-related. This variant is predicted to lead to an abnormal or absent protein product due to the creation of a premature termination codon in ADAMTS2, a gene where loss-of-function variants are known to be pathogenic. Please note: this variant was assessed in the context of healthy population screening.

NM_014244.5(ADAMTS2):c.117_118insTTAT (p.Ala40fs)

Gene: ADAMTS2 (ADAM metallopeptidase with thrombospondin type 1 motif 2; minus strand). Cytogenetic location: 5q35.3.
Variant type: Insertion.
Coding change: c.117_118insTTAT on transcript NM_014244.5 (MANE Select); coding-DNA positions 117 to 118, TTAT inserted.
Protein change: p.Ala40fs; shifts the reading frame from alanine 40.
Molecular consequence: frameshift variant.
Genome position: GRCh38 VCF-style: chr5-179345211-C-CATAA. GRCh37 (hg19) VCF-style: chr5-178772212-C-CATAA.
Other names: c.117_118insTTAT, p.Ala40fs (NM_021599.4); short protein forms A40fs.
Identifiers: ClinVar variation 5010721 (VCV005010721.1).
Genomic context (GRCh38, chr5:179,345,211, plus strand): 5'-GGCGGGGGTCCCGGGGAGTAGGGGCCGGGCCGCACCTACCTGGGGGGTCGGCGGCGGCGG[C>CATAA]GAGCCTGGCGTTCGCGGGCGGCGGCGGCGGCGGCAGGAGCGGCGGCGGCAGCAGCAGCAG-3'